The following is an entry in ClinVar:

ClinVar aggregate classification (germline): Uncertain significance. Review status: criteria provided, multiple submitters, no conflicts (2 of 4 stars). 4 submissions from 3 submitters: Uncertain significance (4). Last evaluated 2024-10-22.

Conditions:
Senior-Loken syndrome 4 (SLSN4). Identifiers: Orphanet 3156, MedGen C1846979, MONDO:0011756, OMIM 606996.
Nephronophthisis 4 (NPHP4). Also called: NEPHRONOPHTHISIS 4, JUVENILE. Identifiers: Orphanet 655, MedGen C1847013, MONDO:0011752, OMIM 606966.
Inborn genetic diseases. Identifiers: MedGen C0950123, MeSH D030342.
Nephronophthisis. Also called: Juvenile Nephronophthisis. Identifiers: Orphanet 655, MedGen C0687120, MONDO:0019005, HP:0000090.

Allele frequency attached by ClinVar (database versions not stated): gnomAD 0.00002 and 0.00003; TOPMed 0.00003.
gnomAD v4.1: 38 of 1,612,826 alleles (0.0024%); highest among the groups gnomAD compares: South Asian, 0.025%; no homozygotes.

Submissions (4):

Labcorp Genetics (formerly Invitae), Labcorp
Classification: Uncertain significance for Nephronophthisis. Last evaluated: 2024-10-22. Review status: criteria provided, single submitter. Criteria: Invitae Variant Classification Sherloc (09022015). Collection method: clinical testing. Allele origin: germline.
Comment: This sequence change replaces arginine, which is basic and polar, with tryptophan, which is neutral and slightly polar, at codon 444 of the NPHP4 protein (p.Arg444Trp). This variant is present in population databases (rs375090105, gnomAD 0.02%). This variant has not been reported in the literature in individuals affected with NPHP4-related conditions. ClinVar contains an entry for this variant (Variation ID: 297822). Invitae Evidence Modeling of protein sequence and biophysical properties (such as structural, functional, and spatial information, amino acid conservation, physicochemical variation, residue mobility, and thermodynamic stability) has been performed for this missense variant. However, the output from this modeling did not meet the statistical confidence thresholds required to predict the impact of this variant on NPHP4 protein function. In summary, the available evidence is currently insufficient to determine the role of this variant in disease. Therefore, it has been classified as a Variant of Uncertain Significance.

Ambry Genetics
Classification: Uncertain significance for Inborn genetic diseases. Last evaluated: 2024-01-02. Review status: criteria provided, single submitter. Criteria: Ambry Variant Classification Scheme 2023. Collection method: clinical testing. Allele origin: germline.

Illumina Laboratory Services, Illumina
Classification: Uncertain significance for Nephronophthisis 4. Last evaluated: 2018-01-13. Review status: criteria provided, single submitter. Criteria: ICSL Variant Classification Criteria 13 December 2019. Collection method: clinical testing. Allele origin: germline.

Illumina Laboratory Services, Illumina
Classification: Uncertain significance for Senior-Loken syndrome 4. Last evaluated: 2018-01-13. Review status: criteria provided, single submitter. Criteria: ICSL Variant Classification Criteria 13 December 2019. Collection method: clinical testing. Allele origin: germline.

NM_015102.5(NPHP4):c.1330C>T (p.Arg444Trp)

Gene: NPHP4 (nephrocystin 4; minus strand). Cytogenetic location: 1p36.31.
Variant type: single nucleotide variant.
Coding change: c.1330C>T on transcript NM_015102.5 (MANE Select); coding-DNA position 1330, C replaced by T.
Protein change: p.Arg444Trp; replaces arginine 444 with tryptophan.
Molecular consequence: missense variant. On other transcripts: 5 prime UTR variant (2), non-coding transcript variant (1).
Genome position (GRCh38, 1-based): chr1:5,927,760, G>A on the plus strand (C>T on the coding strand, the complement: NPHP4 is on the minus strand). VCF-style: chr1-5927760-G-A. GRCh37 (hg19) VCF-style: chr1-5987820-G-A.
Other names: c.-37C>T (NM_001291593.2, NM_001291594.2); short protein forms R444W.
Identifiers: ClinVar variation 297822 (VCV000297822.15), dbSNP rs375090105, ClinGen allele CA554547.